The following is an entry in ClinVar:

NM_001367823.1(ARHGEF18):c.3803AGC[5] (p.Gln1269_Gln1270dup)

Gene: ARHGEF18 (Rho/Rac guanine nucleotide exchange factor 18; plus strand). Cytogenetic location: 19p13.2.
Variant type: Microsatellite.
Coding change: c.3803AGC[5] on transcript NM_001367823.1 (MANE Select); five copies in a row of the 3-base unit AGC starting at c.3803; the reference has three copies in a row; two copies, 6 bases duplicated.
Protein change: p.Gln1269_Gln1270dup.
Molecular consequence: inframe insertion.
Genome position (GRCh38, 1-based): chr19:7,469,922-7,469,927, AGCAGC duplicated; duplicating any 6 consecutive bases within chr19:7,469,919-7,469,927 gives the same sequence; the position shown is the placement nearest the transcript's 3' end. VCF-style (leftmost placement, unchanged base first): chr19-7469918-A-AAGCAGC. GRCh37 (hg19) VCF-style: chr19-7534804-A-AAGCAGC.
Other names: c.3077AGC[5], p.Gln1027_Gln1028dup (NM_001130955.2); c.2765AGC[5], p.Gln923_Gln924dup (NM_001367824.1, NM_015318.4).
Identifiers: ClinVar variation 1023153 (VCV001023153.8), dbSNP rs1976912613, ClinGen allele CA2320933574.
Genomic context (GRCh38, chr19:7,469,918, plus strand): 5'-ACAGCTGGCCAGCCTGGAGCTGGCCCAAATACCTTCTCTCTTCCAGCGTCCTTCGACCTG[A>AAGCAGC]AGCAGCAGCTGCTGCTCAACAAGCTCATGGGGAAAGATGAGAGCACCTCACGGAACCGCC-3'

ClinVar aggregate classification (germline): Uncertain significance (1 of 4 stars; one submission).

Submission:

Labcorp Genetics (formerly Invitae), Labcorp
Classification: Uncertain significance. Last evaluated: 2020-10-07. Review status: criteria provided, single submitter. Criteria: Invitae Variant Classification Sherloc (09022015). Collection method: clinical testing. Allele origin: germline.
Comment: In summary, the available evidence is currently insufficient to determine the role of this variant in disease. Therefore, it has been classified as a Variant of Uncertain Significance. Experimental studies and prediction algorithms are not available or were not evaluated, and the functional significance of this variant is currently unknown. This variant has not been reported in the literature in individuals with ARHGEF18-related conditions. This variant is not present in population databases (ExAC no frequency). This variant, c.3242_3247dup, results in the insertion of 2 amino acid(s) to the ARHGEF18 protein (p.Gln1081_Gln1082dup), but otherwise preserves the integrity of the reading frame.